The following is an entry in ClinVar:

ClinVar aggregate classification (germline): Uncertain significance. Review status: criteria provided, multiple submitters, no conflicts (2 of 4 stars). 3 submissions from 3 submitters: Uncertain significance (3). Last evaluated 2025-05-15.

Conditions:
Leukocyte adhesion deficiency 1 (LAD1). Also called: LEUKOCYTE ADHESION DEFICIENCY, TYPE I; LAD 1; Lymphocyte function-associated antigen 1 immunodeficiency; LFA 1 immunodeficiency. Identifiers: Orphanet 2968, Orphanet 99842, MedGen C0398738, MONDO:0007293, OMIM 116920.

Allele frequency attached by ClinVar (database versions not stated): gnomAD 0.00003; gnomAD exomes 0.00004; TOPMed 0.00004; ExAC 0.00007; ESP Exome Variant Server 0.00015.

Submissions (3):

Mayo Clinic Laboratories, Mayo Clinic
Classification: Uncertain significance. Last evaluated: 2025-05-15. Review status: criteria provided, single submitter. Criteria: ACMG Guidelines, 2015. Collection method: clinical testing. Allele origin: germline. Observed: 1 variant allele.
Comment: PP3

Blueprint Genetics
Classification: Uncertain significance. Last evaluated: 2024-11-26. Review status: criteria provided, single submitter. Criteria: ACMG Guidelines, 2015. Collection method: clinical testing. Allele origin: germline.

Labcorp Genetics (formerly Invitae), Labcorp
Classification: Uncertain significance for Leukocyte adhesion deficiency 1. Last evaluated: 2024-09-06. Review status: criteria provided, single submitter. Criteria: Invitae Variant Classification Sherloc (09022015). Collection method: clinical testing. Allele origin: germline.
Comment: This sequence change replaces proline, which is neutral and non-polar, with leucine, which is neutral and non-polar, at codon 201 of the ITGB2 protein (p.Pro201Leu). This variant is present in population databases (rs372179082, gnomAD 0.009%). This variant has not been reported in the literature in individuals affected with ITGB2-related conditions. ClinVar contains an entry for this variant (Variation ID: 567409). Invitae Evidence Modeling of protein sequence and biophysical properties (such as structural, functional, and spatial information, amino acid conservation, physicochemical variation, residue mobility, and thermodynamic stability) has been performed for this missense variant. However, the output from this modeling did not meet the statistical confidence thresholds required to predict the impact of this variant on ITGB2 protein function. In summary, the available evidence is currently insufficient to determine the role of this variant in disease. Therefore, it has been classified as a Variant of Uncertain Significance.

NM_000211.5(ITGB2):c.602C>T (p.Pro201Leu)

Gene: ITGB2 (integrin subunit beta 2; minus strand). Cytogenetic location: 21q22.3.
Variant type: single nucleotide variant.
Coding change: c.602C>T on transcript NM_000211.5 (MANE Select); coding-DNA position 602, C replaced by T.
Protein change: p.Pro201Leu; replaces proline 201 with leucine.
Molecular consequence: missense variant.
Genome position (GRCh38, 1-based): chr21:44,901,631, G>A on the plus strand (C>T on the coding strand, the complement: ITGB2 is on the minus strand). VCF-style: chr21-44901631-G-A. GRCh37 (hg19) VCF-style: chr21-46321546-G-A.
Other names: p.Pro201Leu; c.602C>T, p.Pro201Leu (NM_001127491.3); c.395C>T, p.Pro132Leu (NM_001303238.2); short protein forms P201L, P132L.
Identifiers: ClinVar variation 567409 (VCV000567409.9), dbSNP rs372179082, ClinGen allele CA10063151.